The following is an entry in ClinVar:

ClinVar aggregate classification (germline): Uncertain significance (1 of 4 stars; one submission).

Allele frequency attached by ClinVar (database versions not stated): gnomAD exomes below 0.00001.
gnomAD v4.1: 1 of 1,614,082 alleles (0.000062%); highest among the groups gnomAD compares: South Asian, 0.0011%; no homozygotes.

Submission:

Labcorp Genetics (formerly Invitae), Labcorp
Classification: Uncertain significance. Last evaluated: 2022-02-23. Review status: criteria provided, single submitter. Criteria: Invitae Variant Classification Sherloc (09022015). Collection method: clinical testing. Allele origin: germline.
Comment: In summary, the available evidence is currently insufficient to determine the role of this variant in disease. Therefore, it has been classified as a Variant of Uncertain Significance. Variants that disrupt the consensus splice site are a relatively common cause of aberrant splicing (PMID: 17576681, 9536098). Algorithms developed to predict the effect of sequence changes on RNA splicing suggest that this variant is not likely to affect RNA splicing. This variant has not been reported in the literature in individuals affected with ANKRD26-related conditions. This variant is not present in population databases (gnomAD no frequency). This sequence change falls in intron 2 of the ANKRD26 gene. It does not directly change the encoded amino acid sequence of the ANKRD26 protein. It affects a nucleotide within the consensus splice site.

Literature cited by the submitters: PubMed 17576681; PubMed 9536098.

NM_014915.3(ANKRD26):c.358-3C>T

Gene: ANKRD26 (ankyrin repeat domain 26; minus strand). Cytogenetic location: 10p12.1.
Variant type: single nucleotide variant.
Coding change: c.358-3C>T on transcript NM_014915.3 (MANE Select); 3 bases into the intron before coding-DNA position 358, C replaced by T.
Molecular consequence: intron variant.
Genome position (GRCh38, 1-based): chr10:27,093,525, G>A on the plus strand (C>T on the coding strand, the complement: ANKRD26 is on the minus strand). VCF-style: chr10-27093525-G-A. GRCh37 (hg19) VCF-style: chr10-27382454-G-A.
Other names: c.358-3C>T (NM_001256053.2).
Identifiers: ClinVar variation 2102291 (VCV002102291.4), dbSNP rs2539288335, ClinGen allele CA2580081420.
Genomic context (GRCh38, chr10:27,093,525, plus strand): 5'-GATCAGCACCATGTTCTAGCAGAATAGTTGCACATTTCTCTTCCTGGCATTGTACAGCCT[G>A]GGAGTATTAGACCAAGAAACAGATCATAAATTCTAGGAATGCAAAATAAACACTCCACAG-3'